The following is an entry in ClinVar:

NM_001142800.2(EYS):c.7579-11dup

Gene: EYS (EGF-like photoreceptor maintenance factor; minus strand). Cytogenetic location: 6q12.
Variant type: Duplication.
Coding change: c.7579-11dup on transcript NM_001142800.2 (MANE Select); 11 bases into the intron before coding-DNA position 7579, one base duplicated (C; older notation c.7579-11dupC).
Molecular consequence: intron variant.
Genome position (GRCh38, 1-based): chr6:63,788,258, G duplicated on the plus strand (C on the coding strand, the reverse complement: EYS is on the minus strand); the first of 3 consecutive G bases (chr6:63,788,258-63,788,260); duplicating any one gives the same sequence. VCF-style (leftmost placement, unchanged base first): chr6-63788257-A-AG. GRCh37 (hg19) VCF-style: chr6-64498150-A-AG.
Other names: c.7579-11dup (NM_001292009.2); c.7579-9dupC (NM_001142800.1, NM_001142800.2).
Identifiers: ClinVar variation 991091 (VCV000991091.10), dbSNP rs1044534941, ClinGen allele CA140243946.

ClinVar aggregate classification (germline): Likely benign. Review status: criteria provided, multiple submitters, no conflicts (2 of 4 stars). 3 submissions from 3 submitters: Likely benign (2). 1 of the submissions does not count toward it. Last evaluated 2026-01-24.

Conditions:
Autosomal recessive retinitis pigmentosa. Identifiers: MedGen C0339526.
EYS-related disorder. Also called: EYS-related condition.

Submissions (3):

Labcorp Genetics (formerly Invitae), Labcorp
Classification: Likely benign. Last evaluated: 2026-01-24. Review status: criteria provided, single submitter. Criteria: Invitae Variant Classification Sherloc (09022015). Collection method: clinical testing. Allele origin: germline.

PreventionGenetics, part of Exact Sciences
Classification: Likely benign for EYS-related condition. Last evaluated: 2025-12-04. Review status: criteria provided, single submitter. Criteria: ACMG Guidelines, 2015. Collection method: clinical testing. Allele origin: germline.
Comment: This variant is classified as likely benign based on ACMG/AMP sequence variant interpretation guidelines (Richards et al. 2015 PMID: 25741868, with internal and published modifications).

Natera, Inc.
Classification: Uncertain significance for Autosomal recessive retinitis pigmentosa. Last evaluated: 2020-08-21. Review status: no assertion criteria provided. Collection method: clinical testing. Allele origin: germline. Not counted in ClinVar's aggregate classification.